The following is an entry in ClinVar:

NM_000038.6(APC):c.363A>C (p.Arg121Ser)

Gene: APC (APC regulator of Wnt signaling pathway; plus strand). Cytogenetic location: 5q22.2.
Variant type: single nucleotide variant.
Coding change: c.363A>C on transcript NM_000038.6 (MANE Select); coding-DNA position 363, A replaced by C.
Protein change: p.Arg121Ser; replaces arginine 121 with serine.
Molecular consequence: missense variant. On other transcripts: 5 prime UTR variant (4), non-coding transcript variant (2).
Genome position (GRCh38, 1-based): chr5:112,767,331, A>C. VCF-style: chr5-112767331-A-C. GRCh37 (hg19) VCF-style: chr5-112103028-A-C.
Other names: c.363A>C, p.Arg121Ser (NM_001127510.3, NM_001354895.2, NM_001354896.2 and 16 more transcripts); c.393A>C, p.Arg131Ser (NM_001127511.3, NM_001354897.2, NM_001354902.2 and 1 more transcripts); c.288A>C, p.Arg96Ser (NM_001354898.2, NM_001354904.2, NM_001407451.1); c.186A>C, p.Arg62Ser (NM_001354900.2, NM_001354901.2, NM_001354905.2 and 1 more transcripts); c.-673A>C (NM_001354906.2, NM_001407470.1, NM_001407471.1 and 1 more transcripts); short protein forms R62S, R96S, R121S, R131S.
Identifiers: ClinVar variation 3635395 (VCV003635395.2).

ClinVar aggregate classification (germline): Uncertain significance (1 of 4 stars; one submission).

Conditions:
Familial adenomatous polyposis 1 (FAP1). Also called: FAMILIAL ADENOMATOUS POLYPOSIS 1, ATTENUATED; POLYPOSIS, ADENOMATOUS INTESTINAL. Identifiers: MedGen C2713442, MONDO:0021056, OMIM 175100. Disease mechanism: loss of function.

gnomAD v4.1: 3 of 1,614,154 alleles (0.00019%); highest among the groups gnomAD compares: Non-Finnish European, 0.00025%; no homozygotes.

Submission:

Labcorp Genetics (formerly Invitae), Labcorp
Classification: Uncertain significance for Familial adenomatous polyposis 1. Last evaluated: 2024-07-03. Review status: criteria provided, single submitter. Criteria: Invitae Variant Classification Sherloc (09022015). Collection method: clinical testing. Allele origin: germline.
Comment: This sequence change replaces arginine, which is basic and polar, with serine, which is neutral and polar, at codon 121 of the APC protein (p.Arg121Ser). This variant is not present in population databases (gnomAD no frequency). This variant has not been reported in the literature in individuals affected with APC-related conditions. Advanced modeling of protein sequence and biophysical properties (such as structural, functional, and spatial information, amino acid conservation, physicochemical variation, residue mobility, and thermodynamic stability) performed at Invitae indicates that this missense variant is not expected to disrupt APC protein function with a negative predictive value of 95%. In summary, the available evidence is currently insufficient to determine the role of this variant in disease. Therefore, it has been classified as a Variant of Uncertain Significance.